The following is an entry in ClinVar:

ClinVar aggregate classification (germline): Pathogenic (1 of 4 stars; one submission).

Conditions:
Supravalvar aortic stenosis (SVAS). Also called: Supravalvar aortic stenosis, Eisenberg type. Identifiers: Orphanet 3193, MedGen C0003499, MONDO:0008504, OMIM 185500, HP:0004381.

Submission:

Labcorp Genetics (formerly Invitae), Labcorp
Classification: Pathogenic for Supravalvar aortic stenosis. Last evaluated: 2024-11-07. Review status: criteria provided, single submitter. Criteria: Invitae Variant Classification Sherloc (09022015). Collection method: clinical testing. Allele origin: germline.
Comment: This sequence change creates a premature translational stop signal (p.Pro504Leufs*171) in the ELN gene. It is expected to result in an absent or disrupted protein product. Loss-of-function variants in ELN are known to be pathogenic (PMID: 11175284). This variant is not present in population databases (gnomAD no frequency). This variant has not been reported in the literature in individuals affected with ELN-related conditions. For these reasons, this variant has been classified as Pathogenic.

Literature cited by the submitters: PubMed 11175284.

NM_000501.4(ELN):c.1422del (p.Pro475fs)

Genes: ELN (elastin; plus strand), ELN-AS1 (ELN antisense RNA 1; minus strand). Cytogenetic location: 7q11.23.
Variant type: Deletion.
Coding change: c.1422del on transcript NM_000501.4 (MANE Select); coding-DNA position 1422, one base deleted (T; older notation c.1422delT).
Protein change: p.Pro475fs; shifts the reading frame from proline 475.
Molecular consequence: frameshift variant. On other transcripts: non-coding transcript variant (1).
Genome position (GRCh38, 1-based): chr7:74,059,893, T deleted; the last of 2 consecutive T bases (chr7:74,059,892-74,059,893); deleting either gives the same sequence. VCF-style (leftmost placement, unchanged base first): chr7-74059891-GT-G. GRCh37 (hg19) VCF-style: chr7-73474221-GT-G.
Other names: c.1335del, p.Pro446fs (NM_001081752.3); c.1380del, p.Pro461fs (NM_001081753.3); c.1437del, p.Pro480fs (NM_001081754.3); c.1365del, p.Pro456fs (NM_001081755.3); c.1422del, p.Pro475fs (NM_001278912.2); c.1179del, p.Pro394fs (NM_001278913.2); c.1350del, p.Pro451fs (NM_001278914.2); c.1440del, p.Pro481fs (NM_001278915.2); and 4 more; short protein forms P386fs, P442fs, P451fs, P461fs, P394fs, P446fs, P480fs, P504fs.
Identifiers: ClinVar variation 3704600 (VCV003704600.2).